The following is an entry in ClinVar:

NM_152564.5(VPS13B):c.9941A>G (p.Gln3314Arg)

Gene: VPS13B (vacuolar protein sorting 13 homolog B; plus strand). Cytogenetic location: 8q22.2.
Variant type: single nucleotide variant.
Coding change: c.9941A>G on transcript NM_152564.5 (MANE Select); coding-DNA position 9941, A replaced by G.
Protein change: p.Gln3314Arg; replaces glutamine 3314 with arginine.
Molecular consequence: missense variant.
Genome position (GRCh38, 1-based): chr8:99,835,737, A>G. VCF-style: chr8-99835737-A-G. GRCh37 (hg19) VCF-style: chr8-100847965-A-G.
Other names: c.10016A>G, p.Gln3339Arg (NM_017890.5); c.10016A>G (NM_017890.3); short protein forms Q3314R, Q3339R.
Identifiers: ClinVar variation 966343 (VCV000966343.10), dbSNP rs558911841, ClinGen allele CA4824824.

ClinVar aggregate classification (germline): Uncertain significance. Review status: criteria provided, multiple submitters, no conflicts (2 of 4 stars). 3 submissions from 3 submitters: Uncertain significance (2). 1 of the submissions does not count toward it. Last evaluated 2026-01-20.

Conditions:
Cohen syndrome (COH1). Also called: Cutis verticis gyrata, retinitis pigmentosa, and sensorineural deafness; PEPPER SYNDROME. Identifiers: Orphanet 193, MedGen C0265223, MONDO:0008999, OMIM 216550.
Inborn genetic diseases. Identifiers: MedGen C0950123, MeSH D030342.

Allele frequency attached by ClinVar (database versions not stated): gnomAD 0.00001 and 0.00003; gnomAD exomes 0.00001; TOPMed 0.00001; ExAC 0.00002; 1000 Genomes Project 30x 0.00016; 1000 Genomes Project 0.00020.
gnomAD v4.1: 107 of 1,614,118 alleles (0.0066%); highest among the groups gnomAD compares: East Asian, 0.24%; 2 homozygotes.

Submissions (4):

Labcorp Genetics (formerly Invitae), Labcorp
Classification: Uncertain significance for Cohen syndrome. Last evaluated: 2026-01-20. Review status: criteria provided, single submitter. Criteria: Invitae Variant Classification Sherloc (09022015). Collection method: clinical testing. Allele origin: germline.
Comment: This sequence change replaces glutamine, which is neutral and polar, with arginine, which is basic and polar, at codon 3339 of the VPS13B protein (p.Gln3339Arg). This variant is present in population databases (rs558911841, gnomAD 0.01%). This variant has not been reported in the literature in individuals affected with VPS13B-related conditions. ClinVar contains an entry for this variant (Variation ID: 966343). An algorithm developed to predict the effect of missense changes on protein structure and function (PolyPhen-2) suggests that this variant is likely to be tolerated. Algorithms developed to predict the effect of sequence changes on RNA splicing suggest that this variant may disrupt the consensus splice site. In summary, the available evidence is currently insufficient to determine the role of this variant in disease. Therefore, it has been classified as a Variant of Uncertain Significance.

Ambry Genetics
Classification: Uncertain significance for Inborn genetic diseases. Last evaluated: 2024-04-24. Review status: criteria provided, single submitter. Criteria: Ambry Variant Classification Scheme 2023. Collection method: clinical testing. Allele origin: germline.

Natera, Inc.
Classification: Uncertain significance for Cohen syndrome. Last evaluated: 2020-04-15. Review status: no assertion criteria provided. Collection method: clinical testing. Allele origin: germline. Not counted in ClinVar's aggregate classification.

Dr. Peter K. Rogan Lab, Western University
No classification provided (evidence only). Condition: Hepatocellular carcinoma. Review status: no classification provided. Collection method: in vitro. Allele origin: not applicable. Functional consequence: retained intron. Not counted in ClinVar's aggregate classification.